The following is an entry in ClinVar:

ClinVar aggregate classification (germline): Uncertain significance. Review status: criteria provided, multiple submitters, no conflicts (2 of 4 stars). 2 submissions from 2 submitters: Uncertain significance (2). Last evaluated 2022-03-04.

Allele frequency attached by ClinVar (database versions not stated): ExAC 0.00001; gnomAD 0.00001; TOPMed 0.00001.
gnomAD v4.1: 7 of 1,614,040 alleles (0.00043%); highest among the groups gnomAD compares: Admixed American, 0.012%; no homozygotes.

Submissions (2):

Labcorp Genetics (formerly Invitae), Labcorp
Classification: Uncertain significance. Last evaluated: 2022-03-04. Review status: criteria provided, single submitter. Criteria: Invitae Variant Classification Sherloc (09022015). Collection method: clinical testing. Allele origin: germline.
Comment: This sequence change replaces methionine, which is neutral and non-polar, with leucine, which is neutral and non-polar, at codon 657 of the DDR2 protein (p.Met657Leu). This variant is present in population databases (rs754168055, gnomAD 0.01%). This variant has not been reported in the literature in individuals affected with DDR2-related conditions. Algorithms developed to predict the effect of missense changes on protein structure and function are either unavailable or do not agree on the potential impact of this missense change (SIFT: "Deleterious"; PolyPhen-2: "Probably Damaging"; Align-GVGD: "Class C0"). In summary, the available evidence is currently insufficient to determine the role of this variant in disease. Therefore, it has been classified as a Variant of Uncertain Significance.

Blueprint Genetics
Classification: Uncertain significance. Last evaluated: 2019-05-27. Review status: criteria provided, single submitter. Criteria: ACMG Guidelines, 2015. Collection method: clinical testing. Allele origin: germline.

NM_006182.4(DDR2):c.1969A>T (p.Met657Leu)

Gene: DDR2 (discoidin domain receptor tyrosine kinase 2; plus strand). Cytogenetic location: 1q23.3.
Variant type: single nucleotide variant.
Coding change: c.1969A>T on transcript NM_006182.4 (MANE Select); coding-DNA position 1969, A replaced by T.
Protein change: p.Met657Leu; replaces methionine 657 with leucine.
Molecular consequence: missense variant.
Genome position (GRCh38, 1-based): chr1:162,775,764, A>T. VCF-style: chr1-162775764-A-T. GRCh37 (hg19) VCF-style: chr1-162745554-A-T.
Other names: c.1969A>T, p.Met657Leu (NM_001014796.3, NM_001354982.2, NM_001354983.2); short protein forms M657L.
Identifiers: ClinVar variation 1959651 (VCV001959651.6), dbSNP rs754168055, ClinGen allele CA1217673.